The following is an entry in ClinVar:

NM_001144758.3(PHLDB1):c.2843C>T (p.Pro948Leu)

Gene: PHLDB1 (pleckstrin homology like domain family B member 1; plus strand). Cytogenetic location: 11q23.3.
Variant type: single nucleotide variant.
Coding change: c.2843C>T on transcript NM_001144758.3 (MANE Select); coding-DNA position 2843, C replaced by T.
Protein change: p.Pro948Leu; replaces proline 948 with leucine.
Molecular consequence: missense variant. On other transcripts: intron variant (1).
Genome position (GRCh38, 1-based): chr11:118,642,360, C>T. VCF-style: chr11-118642360-C-T. GRCh37 (hg19) VCF-style: chr11-118513078-C-T.
Other names: c.2843C>T, p.Pro948Leu (NM_015157.4); c.2737-1440C>T (NM_001144759.3); short protein forms P948L.
Identifiers: ClinVar variation 4533698 (VCV004533698.6).
Genomic context (GRCh38, chr11:118,642,360, plus strand): 5'-AGGAGCTGATGGCCGGGCTGGGGACTGGCCCCGCTGCAGCCTCCCCTCACTCTTCTCCCC[C>T]GCCTCTGCCCGCCAAAGCTTCCCGTCAGCTGCAGGTAACCCCTCCTTCACTGCCCGTCCT-3'
Protein context (NP_001138230.1, residues 938-958): PAAASPHSSP[Pro948Leu]PLPAKASRQL

ClinVar aggregate classification (germline): Benign (1 of 4 stars; one submission).

gnomAD v4.1: 6,234 of 1,610,642 alleles (0.39%); highest among the groups gnomAD compares: South Asian, 1.3%; 35 homozygotes.

Submission:

CeGaT Center for Human Genetics Tuebingen
Classification: Benign. Last evaluated: 2025-11-01. Review status: criteria provided, single submitter. Criteria: CeGaT Center For Human Genetics Tuebingen Variant Classification Criteria Version 2. Collection method: clinical testing. Allele origin: germline. Affected: yes. Observed: 1 variant allele.
Comment: PHLDB1: BS1, BS2